The following is an entry in ClinVar:

NM_006302.3(MOGS):c.456C>G (p.Asp152Glu)

Gene: MOGS (mannosyl-oligosaccharide glucosidase; minus strand). Cytogenetic location: 2p13.1.
Variant type: single nucleotide variant.
Coding change: c.456C>G on transcript NM_006302.3 (MANE Select); coding-DNA position 456, C replaced by G.
Protein change: p.Asp152Glu; replaces aspartic acid 152 with glutamic acid.
Molecular consequence: missense variant.
Genome position (GRCh38, 1-based): chr2:74,464,619, G>C on the plus strand (C>G on the coding strand, the complement: MOGS is on the minus strand). VCF-style: chr2-74464619-G-C. GRCh37 (hg19) VCF-style: chr2-74691746-G-C.
Other names: c.138C>G, p.Asp46Glu (NM_001146158.2); short protein forms D152E, D46E.
Identifiers: ClinVar variation 1424942 (VCV001424942.5), dbSNP rs201772113, ClinGen allele CA1725020.

ClinVar aggregate classification (germline): Uncertain significance (1 of 4 stars; one submission).

Conditions:
MOGS-congenital disorder of glycosylation. Also called: CDG IIb; MOGS-CDG; GLUCOSIDASE I DEFICIENCY; CDG 2B. Identifiers: Orphanet 79330, MedGen C1853736, MONDO:0011629, OMIM 606056.

Allele frequency attached by ClinVar (database versions not stated): gnomAD exomes 0.00001 and 0.00005; ExAC 0.00002; TOPMed 0.00003; gnomAD 0.00004; ESP Exome Variant Server 0.00008.

Submission:

Labcorp Genetics (formerly Invitae), Labcorp
Classification: Uncertain significance for MOGS-congenital disorder of glycosylation. Last evaluated: 2022-04-25. Review status: criteria provided, single submitter. Criteria: Invitae Variant Classification Sherloc (09022015). Collection method: clinical testing. Allele origin: germline.
Comment: This sequence change replaces aspartic acid, which is acidic and polar, with glutamic acid, which is acidic and polar, at codon 152 of the MOGS protein (p.Asp152Glu). This variant is present in population databases (rs201772113, gnomAD 0.003%). This variant has not been reported in the literature in individuals affected with MOGS-related conditions. Algorithms developed to predict the effect of missense changes on protein structure and function (SIFT, PolyPhen-2, Align-GVGD) all suggest that this variant is likely to be disruptive. Algorithms developed to predict the effect of sequence changes on RNA splicing suggest that this variant may disrupt the consensus splice site. In summary, the available evidence is currently insufficient to determine the role of this variant in disease. Therefore, it has been classified as a Variant of Uncertain Significance.